The following is an entry in ClinVar:

ClinVar aggregate classification (germline): Uncertain significance. Review status: criteria provided, multiple submitters, no conflicts (2 of 4 stars). 2 submissions from 2 submitters: Uncertain significance (2). Last evaluated 2022-06-13.

Conditions:
Familial thoracic aortic aneurysm and aortic dissection (TAAD). Also called: Thoracic aortic aneurysms and dissections. Identifiers: Orphanet 91387, MedGen C4707243, MONDO:0019625.
Ehlers-Danlos syndrome, type 4 (EDSVASC). Also called: Ehlers-Danlos syndrome vascular type; Ehlers Danlos syndrome, ecchymotic type; Ehlers Danlos syndrome, arterial type; Ehlers Danlos syndrome, Sack-Barabas type; Ehlers-Danlos Syndrome Type IV. Identifiers: Orphanet 286, MedGen C0268338, MONDO:0017314, OMIM 130050.

Allele frequency attached by ClinVar (database versions not stated): gnomAD exomes below 0.00001.

Submissions (2):

Labcorp Genetics (formerly Invitae), Labcorp
Classification: Uncertain significance for Ehlers-Danlos syndrome, type 4. Last evaluated: 2022-06-13. Review status: criteria provided, single submitter. Criteria: Invitae Variant Classification Sherloc (09022015). Collection method: clinical testing. Allele origin: germline.
Comment: In summary, the available evidence is currently insufficient to determine the role of this variant in disease. Therefore, it has been classified as a Variant of Uncertain Significance. Advanced modeling of protein sequence and biophysical properties (such as structural, functional, and spatial information, amino acid conservation, physicochemical variation, residue mobility, and thermodynamic stability) performed at Invitae indicates that this missense variant is not expected to disrupt COL3A1 protein function. ClinVar contains an entry for this variant (Variation ID: 568814). This missense change has been observed in individual(s) with Ehlers-Danlos syndrome (Invitae). This variant is not present in population databases (gnomAD no frequency). This sequence change replaces lysine, which is basic and polar, with glutamine, which is neutral and polar, at codon 1266 of the COL3A1 protein (p.Lys1266Gln).

Color Diagnostics, LLC DBA Color Health
Classification: Uncertain significance for Familial thoracic aortic aneurysm and aortic dissection. Last evaluated: 2019-04-09. Review status: criteria provided, single submitter. Criteria: ACMG Guidelines, 2015. Collection method: clinical testing. Allele origin: germline.
Comment: This missense variant replaces lysine with glutamine at codon 1266 of the COL3A1 protein. Computational prediction tools and conservation analyses are inconclusive regarding the impact of this variant on the protein function. Computational splicing tools suggest that this variant may not impact RNA splicing. To our knowledge, functional assays have not been performed for this variant nor has this variant been reported in individuals affected with cardiovascular disorders in the literature. This variant has not been identified in the general population by the Genome Aggregation Database (gnomAD). Available evidence is insufficient to determine the role of this variant in disease conclusively. Therefore, this variant is classified as a Variant of Uncertain Significance.

NM_000090.4(COL3A1):c.3796A>C (p.Lys1266Gln)

Gene: COL3A1 (collagen type III alpha 1 chain; plus strand). Cytogenetic location: 2q32.2.
Variant type: single nucleotide variant.
Coding change: c.3796A>C on transcript NM_000090.4 (MANE Select); coding-DNA position 3796, A replaced by C.
Protein change: p.Lys1266Gln; replaces lysine 1266 with glutamine.
Molecular consequence: missense variant.
Genome position (GRCh38, 1-based): chr2:189,009,194, A>C. VCF-style: chr2-189009194-A-C. GRCh37 (hg19) VCF-style: chr2-189873920-A-C.
Other names: short protein forms K1266Q.
Identifiers: ClinVar variation 568814 (VCV000568814.13), dbSNP rs946156674, ClinGen allele CA62563088.